The following is an entry in ClinVar:

NM_172107.4(KCNQ2):c.896T>G (p.Leu299Arg)

Gene: KCNQ2 (potassium voltage-gated channel subfamily Q member 2; minus strand). Cytogenetic location: 20q13.33.
Variant type: single nucleotide variant.
Coding change: c.896T>G on transcript NM_172107.4 (MANE Select); coding-DNA position 896, T replaced by G.
Protein change: p.Leu299Arg; replaces leucine 299 with arginine.
Molecular consequence: missense variant.
Genome position (GRCh38, 1-based): chr20:63,439,629, A>C on the plus strand (T>G on the coding strand, the complement: KCNQ2 is on the minus strand). VCF-style: chr20-63439629-A-C. GRCh37 (hg19) VCF-style: chr20-62070982-A-C.
Other names: c.896T>G, p.Leu299Arg (NM_172109.3, NM_001382235.1, NM_004518.6 and 2 more transcripts); short protein forms L299R.
Identifiers: ClinVar variation 3637735 (VCV003637735.2).

ClinVar aggregate classification (germline): Uncertain significance (1 of 4 stars; one submission).

Conditions:
Early-infantile DEE. Also called: Early infantile epileptic encephalopathy; Ohtahara syndrome; Early infantile epileptic encephalopathy with suppression bursts. Identifiers: Orphanet 1934, MedGen C0393706, MONDO:0800491.

Submission:

Labcorp Genetics (formerly Invitae), Labcorp
Classification: Uncertain significance for Early-infantile DEE. Last evaluated: 2025-01-14. Review status: criteria provided, single submitter. Criteria: Invitae Variant Classification Sherloc (09022015). Collection method: clinical testing. Allele origin: germline.
Comment: This sequence change replaces leucine, which is neutral and non-polar, with arginine, which is basic and polar, at codon 299 of the KCNQ2 protein (p.Leu299Arg). This variant is not present in population databases (gnomAD no frequency). This variant has not been reported in the literature in individuals affected with KCNQ2-related conditions. Invitae Evidence Modeling of protein sequence and biophysical properties (such as structural, functional, and spatial information, amino acid conservation, physicochemical variation, residue mobility, and thermodynamic stability) indicates that this missense variant is expected to disrupt KCNQ2 protein function with a positive predictive value of 95%. In summary, the available evidence is currently insufficient to determine the role of this variant in disease. Therefore, it has been classified as a Variant of Uncertain Significance.